The following is an entry in ClinVar:

ClinVar aggregate classification (germline): Pathogenic (0 of 4 stars; one submission).

Conditions:
Central core myopathy (CMYO1A). Also called: Central core disease; Myopathy, central fibrillar; CONGENITAL MYOPATHY 1A, AUTOSOMAL DOMINANT, WITH SUSCEPTIBILITY TO MALIGNANT HYPERTHERMIA. Identifiers: Orphanet 597, MedGen C5830701, MONDO:0007294, OMIM 117000.

Submission:

GeneReviews
Classification: Pathogenic for Central Core Disease. Last evaluated: 2010-05-11. Review status: no assertion criteria provided. Collection method: curation. Allele origin: unknown.
ClinVar note: Converted during submission from pathologic to Pathogenic.

Single allele

Variant type: Variation.
Identifiers: ClinVar variation 65973 (VCV000065973.2).